The following is an entry in ClinVar:

NM_198834.3(ACACA):c.1607C>T (p.Pro536Leu)

Gene: ACACA (acetyl-CoA carboxylase alpha; minus strand). Cytogenetic location: 17q12.
Variant type: single nucleotide variant.
Coding change: c.1607C>T on transcript NM_198834.3 (MANE Select); coding-DNA position 1607, C replaced by T.
Protein change: p.Pro536Leu; replaces proline 536 with leucine.
Molecular consequence: missense variant.
Genome position (GRCh38, 1-based): chr17:37,258,267, G>A on the plus strand (C>T on the coding strand, the complement: ACACA is on the minus strand). VCF-style: chr17-37258267-G-A. GRCh37 (hg19) VCF-style: chr17-35615189-G-A.
Other names: c.1496C>T, p.Pro499Leu (NM_198836.3, NM_198839.3); c.1322C>T, p.Pro441Leu (NM_198837.2); c.1262C>T, p.Pro421Leu (NM_198838.2); short protein forms P421L, P441L, P499L, P536L.
Identifiers: ClinVar variation 4993334 (VCV004993334.1).

ClinVar aggregate classification (germline): Uncertain significance (1 of 4 stars; one submission).

Conditions:
ACACA-related disorder. Also called: ACACA-related condition.

gnomAD v4.1: 2 of 1,614,086 alleles (0.00012%); highest among the groups gnomAD compares: Non-Finnish European, 0.00017%; no homozygotes.

Submission:

PreventionGenetics, part of Exact Sciences
Classification: Uncertain significance for ACACA-related condition. Last evaluated: 2025-11-12. Review status: criteria provided, single submitter. Criteria: ACMG Guidelines, 2015. Collection method: clinical testing. Allele origin: germline.
Comment: The ACACA c.1607C>T variant is predicted to result in the amino acid substitution p.Pro536Leu. To our knowledge, this variant has not been reported in the literature or in a large population database (gnomAD), indicating this variant is rare. At this time, the clinical significance of this variant is uncertain due to the absence of conclusive functional and genetic evidence.